The following is an entry in ClinVar:

ClinVar aggregate classification (germline): Benign/Likely benign. Review status: criteria provided, multiple submitters, no conflicts (2 of 4 stars). 9 submissions from 9 submitters: Benign (6); Likely benign (2). 1 of the submissions does not count toward it. Last evaluated 2026-02-04.

Conditions:
Cardiovascular phenotype. Identifiers: MedGen CN230736.
Hypertriglyceridemia 1. Also called: Hypertriglyceridemia, familial. Identifiers: MedGen C5444012, MONDO:0007788, OMIM 145750.
Familial type 5 hyperlipoproteinemia. Also called: HYPERCHYLOMICRONEMIA WITH HYPERPREBETALIPOPROTEINEMIA, FAMILIAL; Hyperlipoproteinemia Type V. Identifiers: Orphanet 530849, MedGen C0020481, MONDO:0007762, OMIM 144650.

Allele frequency attached by ClinVar (database versions not stated): 1000 Genomes Project 0.05571; 1000 Genomes Project 30x 0.05887; TOPMed 0.06465.

Submissions (9):

Labcorp Genetics (formerly Invitae), Labcorp
Classification: Benign. Last evaluated: 2026-02-04. Review status: criteria provided, single submitter. Criteria: Invitae Variant Classification Sherloc (09022015). Collection method: clinical testing. Allele origin: germline.

Molecular Diagnostic Laboratory for Inherited Cardiovascular Disease, Montreal Heart Institute
Classification: Benign. Last evaluated: 2025-04-09. Review status: criteria provided, single submitter. Criteria: ACMG Guidelines, 2015. Collection method: clinical testing. Allele origin: germline. Affected: no.

Blueprint Genetics
Classification: Likely benign. Last evaluated: 2024-11-27. Review status: criteria provided, single submitter. Criteria: ACMG Guidelines, 2015. Collection method: clinical testing. Allele origin: germline.

Women's Health and Genetics/Laboratory Corporation of America, LabCorp
Classification: Likely benign. Last evaluated: 2023-07-18. Review status: criteria provided, single submitter. Criteria: LabCorp Variant Classification Summary - May 2015. Collection method: clinical testing. Allele origin: germline.

Mayo Clinic Laboratories, Mayo Clinic
Classification: Benign. Last evaluated: 2023-04-12. Review status: criteria provided, single submitter. Criteria: ACMG Guidelines, 2015. Collection method: clinical testing. Allele origin: germline. Observed: 35 variant alleles.
Comment: BA1, BS2, BP4

Fulgent Genetics
Classification: Benign for Familial type 5 hyperlipoproteinemia; Hypertriglyceridemia 1. Last evaluated: 2022-04-07. Review status: criteria provided, single submitter. Criteria: ACMG Guidelines, 2015. Collection method: clinical testing. Allele origin: unknown.

Ambry Genetics
Classification: Benign for Cardiovascular phenotype. Last evaluated: 2019-02-11. Review status: criteria provided, single submitter. Criteria: Ambry Variant Classification Scheme 2023. Collection method: clinical testing. Allele origin: germline.

Breakthrough Genomics
Classification: Benign. Review status: criteria provided, single submitter. Criteria: ACMG Guidelines, 2015. Collection method: not provided. Allele origin: germline. Inheritance: Autosomal dominant inheritance. Affected: yes.

OMIM
Classification: risk factor for HYPERTRIGLYCERIDEMIA, SUSCEPTIBILITY TO, 1. Last evaluated: 2002-11-15. Review status: no assertion criteria provided. Collection method: literature only. Allele origin: germline. Not counted in ClinVar's aggregate classification.

Literature cited by the submitters: PubMed 12417524 (cited by OMIM); PubMed 12417525 (cited by OMIM).

NM_001371904.1(APOA5):c.56C>G (p.Ser19Trp)

Genes: APOA5 (apolipoprotein A5; minus strand), LOC108491825 (enhancer-blocking element 11-1-2 overlapping APOA5; plus strand). Cytogenetic location: 11q23.3.
Variant type: single nucleotide variant.
Coding change: c.56C>G on transcript NM_001371904.1 (MANE Select); coding-DNA position 56, C replaced by G.
Protein change: p.Ser19Trp; replaces serine 19 with tryptophan.
Molecular consequence: missense variant.
Genome position (GRCh38, 1-based): chr11:116,791,691, G>C on the plus strand (C>G on the coding strand, the complement: APOA5 is on the minus strand). VCF-style: chr11-116791691-G-C. GRCh37 (hg19) VCF-style: chr11-116662407-G-C.
Other names: c.56C>G, p.Ser19Trp (NM_001166598.2, NM_052968.5); short protein forms S19W.
Identifiers: ClinVar variation 4403 (VCV000004403.18), dbSNP rs3135506, ClinGen allele CA116845.